The following is an entry in ClinVar:

ClinVar aggregate classification (germline): Uncertain significance (1 of 4 stars; one submission).

Conditions:
3-methylglutaconic aciduria, type VIIB (MGCA7B). Also called: CLPB Deficiency; 3-methylglutaconic aciduria, type VII, with cataracts, neurologic involvement and neutropenia; 3-methylglutaconic aciduria with cataracts, neurologic involvement and neutropenia. Identifiers: Orphanet 445038, MedGen C5676893, MONDO:0014561, OMIM 616271.

Submission:

Labcorp Genetics (formerly Invitae), Labcorp
Classification: Uncertain significance for 3-methylglutaconic aciduria, type VIIB. Last evaluated: 2025-10-09. Review status: criteria provided, single submitter. Criteria: Invitae Variant Classification Sherloc (09022015). Collection method: clinical testing. Allele origin: germline.
Comment: This sequence change replaces serine, which is neutral and polar, with glycine, which is neutral and non-polar, at codon 200 of the CLPB protein (p.Ser200Gly). This variant is not present in population databases (gnomAD no frequency). This variant has not been reported in the literature in individuals affected with CLPB-related conditions. An algorithm developed to predict the effect of missense changes on protein structure and function (PolyPhen-2) suggests that this variant is likely to be tolerated. In summary, the available evidence is currently insufficient to determine the role of this variant in disease. Therefore, it has been classified as a Variant of Uncertain Significance.

NM_001258392.3(CLPB):c.598A>G (p.Ser200Gly)

Gene: CLPB (ClpB family mitochondrial disaggregase; minus strand). Cytogenetic location: 11q13.4.
Variant type: single nucleotide variant.
Coding change: c.598A>G on transcript NM_001258392.3 (MANE Select); coding-DNA position 598, A replaced by G.
Protein change: p.Ser200Gly; replaces serine 200 with glycine.
Molecular consequence: missense variant.
Genome position (GRCh38, 1-based): chr11:72,380,329, T>C on the plus strand (A>G on the coding strand, the complement: CLPB is on the minus strand). VCF-style: chr11-72380329-T-C. GRCh37 (hg19) VCF-style: chr11-72091373-T-C.
Other names: c.511A>G, p.Ser171Gly (NM_001258393.3); c.463A>G, p.Ser155Gly (NM_001258394.3); c.598A>G, p.Ser200Gly (NM_030813.6); short protein forms S155G, S200G, S171G.
Identifiers: ClinVar variation 4728760 (VCV004728760.1).
Genomic context (GRCh38, chr11:72,380,329, plus strand): 5'-GCCCACACTTACCTTCCAAAGAATGGATTCCCTGTTCCTTGGCAGTCTTGTAAACACTGC[T>C]GAAATCATCTCCAAGGTTTGGATCAGCCCCAGCAGCAAGCAGGACCTGTACCACACTAGA-3'
Protein context (NP_001245321.1, residues 190-210): GADPNLGDDF[Ser200Gly]SVYKTAKEQG